The following is an entry in ClinVar:

NM_000359.3(TGM1):c.35G>A (p.Trp12Ter)

Gene: TGM1 (transglutaminase 1; minus strand). Cytogenetic location: 14q12.
Variant type: single nucleotide variant.
Coding change: c.35G>A on transcript NM_000359.3 (MANE Select); coding-DNA position 35, G replaced by A.
Protein change: p.Trp12Ter; replaces tryptophan 12 with a stop codon.
Molecular consequence: nonsense.
Genome position (GRCh38, 1-based): chr14:24,262,318, C>T on the plus strand (G>A on the coding strand, the complement: TGM1 is on the minus strand). VCF-style: chr14-24262318-C-T. GRCh37 (hg19) VCF-style: chr14-24731524-C-T.
Other names: short protein forms W12*.
Identifiers: ClinVar variation 2134044 (VCV002134044.4), dbSNP rs2040821117, ClinGen allele CA389282857.

ClinVar aggregate classification (germline): Pathogenic (1 of 4 stars; one submission).

Allele frequency attached by ClinVar (database versions not stated): gnomAD exomes below 0.00001; gnomAD 0.00001.
gnomAD v4.1: 2 of 1,613,548 alleles (0.00012%); highest among the groups gnomAD compares: African/African-American, 0.0013%; no homozygotes.

Submission:

Labcorp Genetics (formerly Invitae), Labcorp
Classification: Pathogenic. Last evaluated: 2022-05-13. Review status: criteria provided, single submitter. Criteria: Invitae Variant Classification Sherloc (09022015). Collection method: clinical testing. Allele origin: germline.
Comment: For these reasons, this variant has been classified as Pathogenic. This variant has not been reported in the literature in individuals affected with TGM1-related conditions. This variant is not present in population databases (gnomAD no frequency). This sequence change creates a premature translational stop signal (p.Trp12*) in the TGM1 gene. It is expected to result in an absent or disrupted protein product. Loss-of-function variants in TGM1 are known to be pathogenic (PMID: 18948357, 19241467).

Literature cited by the submitters: PubMed 18948357; PubMed 19241467.